The following is an entry in ClinVar:

ClinVar aggregate classification (germline): Uncertain significance (1 of 4 stars; one submission).

Conditions:
Leukocyte adhesion deficiency 1 (LAD1). Also called: LEUKOCYTE ADHESION DEFICIENCY, TYPE I; LAD 1; Lymphocyte function-associated antigen 1 immunodeficiency; LFA 1 immunodeficiency. Identifiers: Orphanet 2968, Orphanet 99842, MedGen C0398738, MONDO:0007293, OMIM 116920.

Allele frequency attached by ClinVar (database versions not stated): gnomAD exomes below 0.00001; gnomAD 0.00002; TOPMed 0.00003.
gnomAD v4.1: 5 of 1,609,180 alleles (0.00031%); highest among the groups gnomAD compares: Admixed American, 0.005%; no homozygotes.

Submission:

Labcorp Genetics (formerly Invitae), Labcorp
Classification: Uncertain significance for Leukocyte adhesion deficiency 1. Last evaluated: 2022-05-17. Review status: criteria provided, single submitter. Criteria: Invitae Variant Classification Sherloc (09022015). Collection method: clinical testing. Allele origin: germline.
Comment: This sequence change replaces serine, which is neutral and polar, with phenylalanine, which is neutral and non-polar, at codon 59 of the ITGB2 protein (p.Ser59Phe). This variant is not present in population databases (gnomAD no frequency). This variant has not been reported in the literature in individuals affected with ITGB2-related conditions. Algorithms developed to predict the effect of missense changes on protein structure and function (SIFT, PolyPhen-2, Align-GVGD) all suggest that this variant is likely to be disruptive. In summary, the available evidence is currently insufficient to determine the role of this variant in disease. Therefore, it has been classified as a Variant of Uncertain Significance.

NM_000211.5(ITGB2):c.176C>T (p.Ser59Phe)

Gene: ITGB2 (integrin subunit beta 2; minus strand). Cytogenetic location: 21q22.3.
Variant type: single nucleotide variant.
Coding change: c.176C>T on transcript NM_000211.5 (MANE Select); coding-DNA position 176, C replaced by T.
Protein change: p.Ser59Phe; replaces serine 59 with phenylalanine.
Molecular consequence: missense variant. On other transcripts: 5 prime UTR variant (1).
Genome position (GRCh38, 1-based): chr21:44,907,067, G>A on the plus strand (C>T on the coding strand, the complement: ITGB2 is on the minus strand). VCF-style: chr21-44907067-G-A. GRCh37 (hg19) VCF-style: chr21-46326982-G-A.
Other names: c.176C>T, p.Ser59Phe (NM_001127491.3); c.-32C>T (NM_001303238.2); short protein forms S59F.
Identifiers: ClinVar variation 1510736 (VCV001510736.4), dbSNP rs1038389954, ClinGen allele CA321853234.
Genomic context (GRCh38, chr21:44,907,067, plus strand): 5'-ATGATGTCGTCAGCCGCACAGCCCCTCATGAGCAGCTGTGGCCGGGTGTCGCAGCGAATG[G>A]AGTCAGGATCCCCCGGCCCTGTGAAGTTCTGGGGAGGGGGAGTCAGGGGTCAGGAGGGGG-3'
Protein context (NP_000202.3, residues 49-69): LNFTGPGDPD[Ser59Phe]IRCDTRPQLL